The following is an entry in ClinVar:

NM_152383.5(DIS3L2):c.266A>G (p.Asp89Gly)

Gene: DIS3L2 (DIS3 like 3'-5' exoribonuclease 2; plus strand). Cytogenetic location: 2q37.1.
Variant type: single nucleotide variant.
Coding change: c.266A>G on transcript NM_152383.5 (MANE Select); coding-DNA position 266, A replaced by G.
Protein change: p.Asp89Gly; replaces aspartic acid 89 with glycine.
Molecular consequence: missense variant. On other transcripts: non-coding transcript variant (2).
Genome position (GRCh38, 1-based): chr2:232,029,980, A>G. VCF-style: chr2-232029980-A-G. GRCh37 (hg19) VCF-style: chr2-232894690-A-G.
Other names: c.266A>G, p.Asp89Gly (NM_001257281.2, NM_001257282.2); short protein forms D89G.
Identifiers: ClinVar variation 2413433 (VCV002413433.6), dbSNP rs185730176, ClinGen allele CA2163783.

ClinVar aggregate classification (germline): Uncertain significance (1 of 4 stars; one submission).

Conditions:
Perlman syndrome (PRLMNS). Identifiers: Orphanet 2849, MedGen C0796113, MONDO:0009965, OMIM 267000.

Allele frequency attached by ClinVar (database versions not stated): gnomAD 0.00001; 1000 Genomes Project 30x 0.00016; 1000 Genomes Project 0.00020.
gnomAD v4.1: 2 of 1,595,606 alleles (0.00013%); highest among the groups gnomAD compares: African/African-American, 0.0014%; no homozygotes.

Submission:

Labcorp Genetics (formerly Invitae), Labcorp
Classification: Uncertain significance for Perlman syndrome. Last evaluated: 2024-04-16. Review status: criteria provided, single submitter. Criteria: Invitae Variant Classification Sherloc (09022015). Collection method: clinical testing. Allele origin: germline.
Comment: This sequence change replaces aspartic acid, which is acidic and polar, with glycine, which is neutral and non-polar, at codon 89 of the DIS3L2 protein (p.Asp89Gly). This variant is present in population databases (rs185730176, gnomAD 0.007%). This variant has not been reported in the literature in individuals affected with DIS3L2-related conditions. ClinVar contains an entry for this variant (Variation ID: 2413433). An algorithm developed to predict the effect of missense changes on protein structure and function (PolyPhen-2) suggests that this variant is likely to be tolerated. In summary, the available evidence is currently insufficient to determine the role of this variant in disease. Therefore, it has been classified as a Variant of Uncertain Significance.